The following is an entry in ClinVar:

NM_000187.4(HGD):c.473C>T (p.Pro158Leu)

Gene: HGD (homogentisate 1,2-dioxygenase; minus strand). Cytogenetic location: 3q13.33.
Variant type: single nucleotide variant.
Coding change: c.473C>T on transcript NM_000187.4 (MANE Select); coding-DNA position 473, C replaced by T.
Protein change: p.Pro158Leu; replaces proline 158 with leucine.
Molecular consequence: missense variant.
Genome position (GRCh38, 1-based): chr3:120,647,049, G>A on the plus strand (C>T on the coding strand, the complement: HGD is on the minus strand). VCF-style: chr3-120647049-G-A. GRCh37 (hg19) VCF-style: chr3-120365896-G-A.
Other names: short protein forms P158L.
Identifiers: ClinVar variation 553516 (VCV000553516.9), dbSNP rs375396766, ClinGen allele CA2560180.

ClinVar aggregate classification (germline): Likely pathogenic. Review status: criteria provided, multiple submitters, no conflicts (2 of 4 stars). 4 submissions from 4 submitters: Likely pathogenic (2). 2 of the submissions do not count toward it. Last evaluated 2024-03-26.

Conditions:
Alkaptonuria (AKU). Also called: Alcaptonuria; HOMOGENTISIC ACID OXIDASE DEFICIENCY; Homogentisic acidura; Alkaptonuric ochronosis. Identifiers: Orphanet 56, MedGen C0002066, MONDO:0008753, OMIM 203500.

Allele frequency attached by ClinVar (database versions not stated): ExAC 0.00001; gnomAD 0.00001; gnomAD exomes 0.00001 and 0.00002; TOPMed 0.00001; ESP Exome Variant Server 0.00008.

Submissions (4):

Fulgent Genetics
Classification: Likely pathogenic for Alkaptonuria. Last evaluated: 2024-03-26. Review status: criteria provided, single submitter. Criteria: ACMG Guidelines, 2015. Collection method: clinical testing. Allele origin: germline.

Labcorp Genetics (formerly Invitae), Labcorp
Classification: Likely pathogenic for Alkaptonuria. Last evaluated: 2024-03-12. Review status: criteria provided, single submitter. Criteria: Invitae Variant Classification Sherloc (09022015). Collection method: clinical testing. Allele origin: germline.
Comment: This sequence change replaces proline, which is neutral and non-polar, with leucine, which is neutral and non-polar, at codon 158 of the HGD protein (p.Pro158Leu). This variant is present in population databases (rs375396766, gnomAD 0.01%). This missense change has been observed in individual(s) with HGD-related conditions (PMID: 19862842, 21822197). In at least one individual the data is consistent with being in trans (on the opposite chromosome) from a pathogenic variant. ClinVar contains an entry for this variant (Variation ID: 553516). Advanced modeling of protein sequence and biophysical properties (such as structural, functional, and spatial information, amino acid conservation, physicochemical variation, residue mobility, and thermodynamic stability) performed at Invitae indicates that this missense variant is not expected to disrupt HGD protein function with a negative predictive value of 80%. In summary, the currently available evidence indicates that the variant is pathogenic, but additional data are needed to prove that conclusively. Therefore, this variant has been classified as Likely Pathogenic.

Counsyl
Classification: Uncertain significance for Alkaptonuria. Last evaluated: 2017-11-14. Review status: no assertion criteria provided. Collection method: clinical testing. Allele origin: unknown. Not counted in ClinVar's aggregate classification.

Department Of Human Genetics, Institute Of Clinical And Translational Research, Biomedical Research Center, Slovak Academy Of Sciences
Classification: Pathogenic for Alkaptonuria. Review status: no assertion criteria provided. Collection method: research. Allele origin: germline. Inheritance: Autosomal recessive inheritance. Affected: yes. Observed: 6 variant alleles. Not counted in ClinVar's aggregate classification.
Comment: The variant was originally described in AKU patient in PMID:19862842. It has been submitted to the HGD gene mutation database (DB-ID: AKU_00048).

Literature cited by the submitters: PubMed 19862842 (cited by 3 submitters); PubMed 21822197 (cited by Labcorp Genetics (formerly Invitae), Labcorp and Counsyl).